The following is an entry in ClinVar:

ClinVar aggregate classification (germline): Uncertain significance. Review status: criteria provided, multiple submitters, no conflicts (2 of 4 stars). 4 submissions from 4 submitters: Uncertain significance (4). Last evaluated 2025-02-21.

Conditions:
Epidermolysis bullosa simplex, Ogna type (EBS5A). Also called: Pidermolysis bullosa simplex 5A, Ogna type; EPIDERMOLYSIS BULLOSA SIMPLEX 5A, OGNA TYPE. Identifiers: Orphanet 79401, MedGen C0432317, MONDO:0007555, OMIM 131950.
Epidermolysis bullosa simplex 5C, with pyloric atresia (EBS5C). Also called: PLEC1-Related Epidermolysis Bullosa with Pyloric Atresia; PLEC-Related Epidermolysis Bullosa with Pyloric Atresia; Epidermolysis bullosa simplex with pyloric atresia. Identifiers: Orphanet 158684, MedGen C2677349, MONDO:0012807, OMIM 612138.
Epidermolysis bullosa simplex 5B, with muscular dystrophy (EBS5B). Also called: Epidermolysis bullosa simplex with muscular dystrophy; EPIDERMOLYSIS BULLOSA SIMPLEX AND LIMB-GIRDLE MUSCULAR DYSTROPHY. Identifiers: Orphanet 257, MedGen C2931072, MONDO:0009181, OMIM 226670.
Epidermolysis bullosa simplex with nail dystrophy (EBS5D). Identifiers: MedGen C4225309, MONDO:0014661, OMIM 616487.
Autosomal recessive limb-girdle muscular dystrophy type 2Q (LGMDR17). Also called: MUSCULAR DYSTROPHY, LIMB-GIRDLE, AUTOSOMAL RECESSIVE 17. Identifiers: Orphanet 254361, MedGen C3150989, MONDO:0013390, OMIM 613723.
Inborn genetic diseases. Identifiers: MedGen C0950123, MeSH D030342.

Allele frequency attached by ClinVar (database versions not stated): ExAC 0.00001; gnomAD 0.00001; TOPMed 0.00001; gnomAD exomes 0.00002.
gnomAD v4.1: 15 of 1,611,132 alleles (0.00093%); highest among the groups gnomAD compares: Middle Eastern, 0.018%; no homozygotes.

Submissions (4):

Labcorp Genetics (formerly Invitae), Labcorp
Classification: Uncertain significance for Autosomal recessive limb-girdle muscular dystrophy type 2Q; Epidermolysis bullosa simplex, Ogna type; Epidermolysis bullosa simplex with nail dystrophy; Epidermolysis bullosa simplex 5C, with pyloric atresia; Epidermolysis bullosa simplex 5B, with muscular dystrophy. Last evaluated: 2025-02-21. Review status: criteria provided, single submitter. Criteria: Invitae Variant Classification Sherloc (09022015). Collection method: clinical testing. Allele origin: germline.
Comment: This sequence change replaces alanine, which is neutral and non-polar, with threonine, which is neutral and polar, at codon 2426 of the PLEC protein (p.Ala2426Thr). This variant is present in population databases (rs782779334, gnomAD 0.006%). This variant has not been reported in the literature in individuals affected with PLEC-related conditions. ClinVar contains an entry for this variant (Variation ID: 810325). Invitae Evidence Modeling of protein sequence and biophysical properties (such as structural, functional, and spatial information, amino acid conservation, physicochemical variation, residue mobility, and thermodynamic stability) indicates that this missense variant is not expected to disrupt PLEC protein function with a negative predictive value of 80%. In summary, the available evidence is currently insufficient to determine the role of this variant in disease. Therefore, it has been classified as a Variant of Uncertain Significance.

Revvity Omics, Revvity
Classification: Uncertain significance. Last evaluated: 2022-08-04. Review status: criteria provided, single submitter. Criteria: ACMG Guidelines, 2015. Collection method: clinical testing. Allele origin: germline.

Ambry Genetics
Classification: Uncertain significance for Inborn genetic diseases. Last evaluated: 2022-01-26. Review status: criteria provided, single submitter. Criteria: Ambry Variant Classification Scheme 2023. Collection method: clinical testing. Allele origin: germline.

CeGaT Center for Human Genetics Tuebingen
Classification: Uncertain significance. Last evaluated: 2016-06-01. Review status: criteria provided, single submitter. Criteria: CeGaT Center For Human Genetics Tuebingen Variant Classification Criteria Version 2. Collection method: clinical testing. Allele origin: germline. Affected: yes. Observed: 1 variant allele.

NM_201384.3(PLEC):c.7195G>A (p.Ala2399Thr)

Gene: PLEC (plectin; minus strand). Cytogenetic location: 8q24.3.
Variant type: single nucleotide variant.
Coding change: c.7195G>A on transcript NM_201384.3 (MANE Select); coding-DNA position 7195, G replaced by A.
Protein change: p.Ala2399Thr; replaces alanine 2399 with threonine.
Molecular consequence: missense variant.
Genome position (GRCh38, 1-based): chr8:143,922,734, C>T on the plus strand (G>A on the coding strand, the complement: PLEC is on the minus strand). VCF-style: chr8-143922734-C-T. GRCh37 (hg19) VCF-style: chr8-144996902-C-T.
Other names: c.7276G>A, p.Ala2426Thr (NM_000445.5); c.7153G>A, p.Ala2385Thr (NM_201378.4); c.7129G>A, p.Ala2377Thr (NM_201379.3); c.7606G>A, p.Ala2536Thr (NM_201380.4); c.7099G>A, p.Ala2367Thr (NM_201381.3); c.7195G>A, p.Ala2399Thr (NM_201382.4); c.7207G>A, p.Ala2403Thr (NM_201383.3); c.7276G>A (NM_000445.3); short protein forms A2367T, A2403T, A2536T, A2385T, A2399T, A2377T, A2426T.
Identifiers: ClinVar variation 810325 (VCV000810325.51), dbSNP rs782779334, ClinGen allele CA4925732.
Genomic context (GRCh38, chr8:143,922,734, plus strand): 5'-GGTGCAGCTTCTCACCGATCTCCTCCGCCTGCTTCCGGAAGCGCTGGGCGTCCTCCTCAG[C>T]GCGGGCCTGGGCTCGGCTCATCTCGGCCACACGCAGCTTGAGGCGCTCAGCCTCAGCGCT-3'
Protein context (NP_958786.1, residues 2389-2409): VAEMSRAQAR[Ala2399Thr]EEDAQRFRKQ